The following is an entry in ClinVar:

ClinVar aggregate classification (germline): Uncertain significance (1 of 4 stars; one submission).

Submission:

GeneDx
Classification: Uncertain significance. Last evaluated: 2024-10-02. Review status: criteria provided, single submitter. Criteria: GeneDx Variant Classification Process June 2021. Collection method: clinical testing. Allele origin: germline. Affected: yes.
Comment: Not observed in large population cohorts (gnomAD); Frameshift variant predicted to result in protein truncation as the last 38 amino acids are replaced with 3 different amino acids; Has not been previously published as pathogenic or benign to our knowledge

NM_021076.4(NEFH):c.2947_2948del (p.Ser983fs)

Gene: NEFH (neurofilament heavy chain; plus strand). Cytogenetic location: 22q12.2.
Variant type: Microsatellite.
Coding change: c.2947_2948del on transcript NM_021076.4 (MANE Select); coding-DNA positions 2947 to 2948, 2 bases deleted (TC; older notation c.2947_2948delTC).
Protein change: p.Ser983fs; shifts the reading frame from serine 983.
Molecular consequence: frameshift variant.
Genome position (GRCh38, 1-based): chr22:29,490,587-29,490,588, TC deleted; deleting any 2 consecutive bases within chr22:29,490,584-29,490,588 gives the same sequence; the c. name uses the placement nearest the transcript's 3' end. VCF-style (leftmost placement, unchanged base first): chr22-29490583-CCT-C. GRCh37 (hg19) VCF-style: chr22-29886572-CCT-C.
Other names: short protein forms S983fs.
Identifiers: ClinVar variation 3776359 (VCV003776359.1).